The following is an entry in ClinVar:

NM_052947.4(ALPK2):c.6086T>A (p.Val2029Glu)

Gene: ALPK2 (alpha kinase 2; minus strand). Cytogenetic location: 18q21.31.
Variant type: single nucleotide variant.
Coding change: c.6086T>A on transcript NM_052947.4 (MANE Select); coding-DNA position 6086, T replaced by A.
Protein change: p.Val2029Glu; replaces valine 2029 with glutamic acid.
Molecular consequence: missense variant.
Genome position (GRCh38, 1-based): chr18:58,504,092, A>T on the plus strand (T>A on the coding strand, the complement: ALPK2 is on the minus strand). VCF-style: chr18-58504092-A-T. GRCh37 (hg19) VCF-style: chr18-56171324-A-T.
Other names: short protein forms V2029E.
Identifiers: ClinVar variation 1751478 (VCV001751478.2), dbSNP rs1337958516, ClinGen allele CA402544424.

ClinVar aggregate classification (germline): Uncertain significance (1 of 4 stars; one submission).

Submission:

Ambry Genetics
Classification: Uncertain significance. Last evaluated: 2022-02-22. Review status: criteria provided, single submitter. Criteria: Ambry Variant Classification Scheme 2023. Collection method: clinical testing. Allele origin: germline.
Comment: The p.V2029E variant (also known as c.6086T>A), located in coding exon 10 of the ALPK2 gene, results from a T to A substitution at nucleotide position 6086. The valine at codon 2029 is replaced by glutamic acid, an amino acid with dissimilar properties. This amino acid position is conserved. In addition, this alteration is predicted to be tolerated by in silico analysis. Since supporting evidence is limited at this time, the clinical significance of this alteration remains unclear.